The following is an entry in ClinVar:

ClinVar aggregate classification (germline): Uncertain significance (1 of 4 stars; one submission).

Submission:

Labcorp Genetics (formerly Invitae), Labcorp
Classification: Uncertain significance. Last evaluated: 2023-03-08. Review status: criteria provided, single submitter. Criteria: Invitae Variant Classification Sherloc (09022015). Collection method: clinical testing. Allele origin: germline.
Comment: This sequence change creates a premature translational stop signal (p.Ala475Glyfs*31) in the ZNF513 gene. While this is not anticipated to result in nonsense mediated decay, it is expected to disrupt the last 67 amino acid(s) of the ZNF513 protein. This variant is not present in population databases (gnomAD no frequency). This variant has not been reported in the literature in individuals affected with ZNF513-related conditions. Experimental studies and prediction algorithms are not available or were not evaluated, and the functional significance of this variant is currently unknown. In summary, the available evidence is currently insufficient to determine the role of this variant in disease. Therefore, it has been classified as a Variant of Uncertain Significance.

NM_144631.6(ZNF513):c.1424_1431del (p.Ala475fs)

Genes: ZNF513 (zinc finger protein 513; minus strand), LOC129933376 (ATAC-STARR-seq lymphoblastoid active region 15506; plus strand). Cytogenetic location: 2p23.3.
Variant type: Deletion.
Coding change: c.1424_1431del on transcript NM_144631.6 (MANE Select); coding-DNA positions 1424 to 1431, 8 bases deleted (CCACCTGC; older notation c.1424_1431delCCACCTGC).
Protein change: p.Ala475fs; shifts the reading frame from alanine 475.
Molecular consequence: frameshift variant.
Genome position (GRCh38, 1-based): chr2:27,377,740-27,377,747, GCAGGTGG deleted on the plus strand (CCACCTGC on the coding strand, the reverse complement: ZNF513 is on the minus strand). VCF-style (leftmost placement, unchanged base first): chr2-27377739-CGCAGGTGG-C. GRCh37 (hg19) VCF-style: chr2-27600606-CGCAGGTGG-C.
Other names: c.1238_1245del, p.Ala413fs (NM_001201459.2); short protein forms A475fs, A413fs.
Identifiers: ClinVar variation 2822617 (VCV002822617.3), dbSNP rs2465619122, ClinGen allele CA2739274213.